The following is an entry in ClinVar:

ClinVar aggregate classification (germline): Benign/Likely benign. Review status: criteria provided, multiple submitters, no conflicts (2 of 4 stars). 2 submissions from 2 submitters: Benign (1); Likely benign (1). Last evaluated 2025-10-08.

Allele frequency attached by ClinVar (database versions not stated): ExAC 0.00002; gnomAD exomes 0.00003; gnomAD 0.00005; ESP Exome Variant Server 0.00008; 1000 Genomes Project 0.00020; 1000 Genomes Project 30x 0.00031.
gnomAD v4.1: 54 of 1,614,080 alleles (0.0033%); highest among the groups gnomAD compares: Non-Finnish European, 0.0045%; no homozygotes.

Submissions (2):

Labcorp Genetics (formerly Invitae), Labcorp
Classification: Benign. Last evaluated: 2025-10-08. Review status: criteria provided, single submitter. Criteria: Invitae Variant Classification Sherloc (09022015). Collection method: clinical testing. Allele origin: germline.

CeGaT Center for Human Genetics Tuebingen
Classification: Likely benign. Last evaluated: 2025-05-01. Review status: criteria provided, single submitter. Criteria: CeGaT Center For Human Genetics Tuebingen Variant Classification Criteria Version 2. Collection method: clinical testing. Allele origin: germline. Affected: yes. Observed: 1 variant allele.
Comment: KMT2C: BP4, BP7

NM_170606.3(KMT2C):c.5802G>A (p.Arg1934=)

Gene: KMT2C (lysine methyltransferase 2C; minus strand). Cytogenetic location: 7q36.1.
Variant type: single nucleotide variant.
Coding change: c.5802G>A on transcript NM_170606.3 (MANE Select); coding-DNA position 5802, G replaced by A.
Protein change: p.Arg1934=; no amino-acid change (arginine 1934 retained).
Molecular consequence: synonymous variant.
Genome position (GRCh38, 1-based): chr7:152,182,058, C>T on the plus strand (G>A on the coding strand, the complement: KMT2C is on the minus strand). VCF-style: chr7-152182058-C-T. GRCh37 (hg19) VCF-style: chr7-151879143-C-T.
Identifiers: ClinVar variation 2161208 (VCV002161208.14), dbSNP rs17559399, ClinGen allele CA4580186.